The following is an entry in ClinVar:

NC_012920.1(MT-ND2):m.4735C>A

Gene: MT-ND2 (mitochondrially encoded NADH dehydrogenase 2; plus strand).
Variant type: single nucleotide variant.
Genome position: chrM-4735-C-A.
Identifiers: ClinVar variation 692493 (VCV000692493.1), dbSNP rs1603219589, ClinGen allele CA414775551.

ClinVar aggregate classification (germline): Benign (1 of 4 stars; one submission).

Conditions:
Leigh syndrome (NULS). Also called: Leigh's necrotizing encephalopathy; Leigh's disease; Leigh Syndrome (mtDNA deletion); Leigh Disease; Subacute necrotizing encephalopathy; Necrotizing encephalopathy infantile subacute of Leigh. Identifiers: Orphanet 506, MedGen C2931891, MONDO:0009723, OMIM 256000.

Submission:

Wong Mito Lab, Molecular and Human Genetics, Baylor College of Medicine
Classification: Benign for Leigh syndrome. Last evaluated: 2019-10-17. Review status: criteria provided, single submitter. Criteria: Modified ACMG Guidelines (Unpublished). Collection method: clinical testing. Allele origin: germline.
Comment: The NC_012920.1:m.4735C>A (YP_003024027.1:p.Thr89Asn) variant in MTND2 gene is interpretated to be a Benign variant based on the modified ACMG guidelines (unpublished). This variant meets the following evidence codes: BS1, BS2, BP4